The following is an entry in ClinVar:

NM_153212.3(GJB4):c.224G>A (p.Arg75His)

Gene: GJB4 (gap junction protein beta 4; plus strand). Cytogenetic location: 1p34.3.
Variant type: single nucleotide variant.
Coding change: c.224G>A on transcript NM_153212.3 (MANE Select); coding-DNA position 224, G replaced by A.
Protein change: p.Arg75His; replaces arginine 75 with histidine.
Molecular consequence: missense variant.
Genome position (GRCh38, 1-based): chr1:34,761,478, G>A. VCF-style: chr1-34761478-G-A. GRCh37 (hg19) VCF-style: chr1-35227079-G-A.
Other names: short protein forms R75H.
Identifiers: ClinVar variation 782907 (VCV000782907.10), dbSNP rs151088412, ClinGen allele CA754517.
Genomic context (GRCh38, chr1:34,761,478, plus strand): 5'-CCAAGCAGCCCGGCTGCCCCAACGTCTGCTATGACGAGTTCTTCCCCGTGTCCCACGTGC[G>A]CCTCTGGGCCCTACAGCTCATCCTGGTCACGTGCCCCTCACTGCTCGTGGTCATGCACGT-3'
Protein context (NP_694944.1, residues 65-85): YDEFFPVSHV[Arg75His]LWALQLILVT

ClinVar aggregate classification (germline): Benign. Review status: criteria provided, single submitter (1 of 4 stars). 2 submissions from 2 submitters: Benign (1). 1 of the submissions does not count toward it. Last evaluated 2025-11-17.

Conditions:
GJB4-related disorder. Also called: GJB4-related condition.

Allele frequency attached by ClinVar (database versions not stated): ESP Exome Variant Server 0.00008; gnomAD 0.00014 and 0.00015; 1000 Genomes Project 0.00020; gnomAD exomes 0.00020 and 0.00099; 1000 Genomes Project 30x 0.00031; TOPMed 0.00037; ExAC 0.00080.
gnomAD v4.1: 310 of 1,614,094 alleles (0.019%); highest among the groups gnomAD compares: Admixed American, 0.46%; 1 homozygote.

Submissions (2):

Labcorp Genetics (formerly Invitae), Labcorp
Classification: Benign. Last evaluated: 2025-11-17. Review status: criteria provided, single submitter. Criteria: Invitae Variant Classification Sherloc (09022015). Collection method: clinical testing. Allele origin: germline.

PreventionGenetics, part of Exact Sciences
Classification: Benign for GJB4-related condition. Last evaluated: 2020-08-19. Review status: no assertion criteria provided. Collection method: clinical testing. Allele origin: germline. Not counted in ClinVar's aggregate classification.
Comment: This variant is classified as benign based on ACMG/AMP sequence variant interpretation guidelines (Richards et al. 2015 PMID: 25741868, with internal and published modifications).